The following is an entry in ClinVar:

NM_020975.6(RET):c.1523-19G>T

Gene: RET (ret proto-oncogene; plus strand). Cytogenetic location: 10q11.21.
Variant type: single nucleotide variant.
Coding change: c.1523-19G>T on transcript NM_020975.6 (MANE Select); 19 bases into the intron before coding-DNA position 1523, G replaced by T.
Molecular consequence: intron variant.
Genome position (GRCh38, 1-based): chr10:43,112,080, G>T. VCF-style: chr10-43112080-G-T. GRCh37 (hg19) VCF-style: chr10-43607528-G-T.
Other names: c.1523-19G>T (NM_001406744.1, NM_001406759.1, NM_001406760.1 and 4 more transcripts); c.1127-19G>T (NM_001406772.1, NM_001406769.1); c.1085-19G>T (NM_001406773.1, NM_001406771.1); c.626-19G>T (NM_001406782.1, NM_001406780.1, NM_001406779.1 and 3 more transcripts); c.1394-19G>T (NM_001406764.1, NM_001406762.1, NM_001406761.1 and 1 more transcripts); c.998-19G>T (NM_001406774.1); c.497-19G>T (NM_001406786.1, NM_001406783.1); c.1235-19G>T (NM_001406770.1, NM_001406766.1, NM_001406767.1); and 5 more.
Identifiers: ClinVar variation 3904568 (VCV003904568.1).

ClinVar aggregate classification (germline): Likely benign (1 of 4 stars; one submission).

Conditions:
Multiple endocrine neoplasia type 2A. Also called: Multiple Endocrine Neoplasia Type 2A (MEN2A); MULTIPLE ENDOCRINE NEOPLASIA, TYPE IIA; PTC SYNDROME; SIPPLE SYNDROME; MEN 2A; MEN-2A syndrome. Identifiers: Orphanet 247698, Orphanet 653, MedGen C0025268, MeSH D018813, MONDO:0008234, OMIM 171400.

Submission:

Myriad Genetics, Inc.
Classification: Likely benign for Multiple endocrine neoplasia type 2A. Last evaluated: 2025-02-25. Review status: criteria provided, single submitter. Criteria: Myriad Autosomal Dominant, Autosomal Recessive and X-Linked Classification Criteria (2023). Collection method: clinical testing. Allele origin: unknown.
Comment: This variant is considered likely benign. This variant is intronic and is not expected to impact mRNA splicing.